The following is an entry in ClinVar:

NM_001103.4(ACTN2):c.2436A>T (p.Gln812His)

Gene: ACTN2 (actinin alpha 2; plus strand). Cytogenetic location: 1q43.
Variant type: single nucleotide variant.
Coding change: c.2436A>T on transcript NM_001103.4 (MANE Select); coding-DNA position 2436, A replaced by T.
Protein change: p.Gln812His; replaces glutamine 812 with histidine.
Molecular consequence: missense variant.
Genome position (GRCh38, 1-based): chr1:236,761,083, A>T. VCF-style: chr1-236761083-A-T. GRCh37 (hg19) VCF-style: chr1-236924383-A-T.
Other names: c.2436A>T, p.Gln812His (NM_001278343.2); c.1812A>T, p.Gln604His (NM_001278344.2); c.1686A>T, p.Gln562His (NM_001412150.1); c.2436A>T (NM_001103.2); short protein forms Q604H, Q812H, Q562H.
Identifiers: ClinVar variation 2199646 (VCV002199646.5), dbSNP rs146445537, ClinGen allele CA1473447.

ClinVar aggregate classification (germline): Uncertain significance. Review status: criteria provided, multiple submitters, no conflicts (2 of 4 stars). 2 submissions from 2 submitters: Uncertain significance (2). Last evaluated 2025-01-28.

Conditions:
Cardiovascular phenotype. Identifiers: MedGen CN230736.
Primary familial hypertrophic cardiomyopathy (HCM). Identifiers: Orphanet 99739, MedGen C0949658, MeSH D024741, MONDO:0024573. Inheritance: Various modes of inheritance.
Dilated cardiomyopathy 1AA (CMD1AA). Also called: CARDIOMYOPATHY, DILATED, 1AA, WITH OR WITHOUT LEFT VENTRICULAR NONCOMPACTION; CARDIOMYOPATHY, FAMILIAL HYPERTROPHIC, 23, WITH OR WITHOUT LEFT VENTRICULAR NONCOMPACTION; Cardiomyopathy, dilated, 1AA, with or without LVNC. Identifiers: Orphanet 154, MedGen C2677338, MONDO:0012808, OMIM 612158.

gnomAD v4.1: 2 of 1,614,082 alleles (0.00012%); highest among the groups gnomAD compares: Non-Finnish European, 0.00017%; no homozygotes.

Submissions (2):

Ambry Genetics
Classification: Uncertain significance for Cardiovascular phenotype. Last evaluated: 2025-01-28. Review status: criteria provided, single submitter. Criteria: Ambry Variant Classification Scheme 2023. Collection method: clinical testing. Allele origin: germline.
Comment: The p.Q812H variant (also known as c.2436A>T), located in coding exon 20 of the ACTN2 gene, results from an A to T substitution at nucleotide position 2436. The glutamine at codon 812 is replaced by histidine, an amino acid with highly similar properties. This amino acid position is conserved. In addition, the in silico prediction for this alteration is inconclusive. Based on the available evidence, the clinical significance of this variant remains unclear.

Labcorp Genetics (formerly Invitae), Labcorp
Classification: Uncertain significance for Primary familial hypertrophic cardiomyopathy; Dilated cardiomyopathy 1AA. Last evaluated: 2022-04-15. Review status: criteria provided, single submitter. Criteria: Invitae Variant Classification Sherloc (09022015). Collection method: clinical testing. Allele origin: germline.
Comment: Algorithms developed to predict the effect of missense changes on protein structure and function are either unavailable or do not agree on the potential impact of this missense change (SIFT: "Deleterious"; PolyPhen-2: "Probably Damaging"; Align-GVGD: "Class C15"). In summary, the available evidence is currently insufficient to determine the role of this variant in disease. Therefore, it has been classified as a Variant of Uncertain Significance. This variant has not been reported in the literature in individuals affected with ACTN2-related conditions. This variant is present in population databases (rs146445537, gnomAD 0.0009%). This sequence change replaces glutamine, which is neutral and polar, with histidine, which is basic and polar, at codon 812 of the ACTN2 protein (p.Gln812His).